The following is an entry in ClinVar:

NM_000066.4(C8B):c.1375A>C (p.Asn459His)

Gene: C8B (complement C8 beta chain; minus strand). Cytogenetic location: 1p32.2.
Variant type: single nucleotide variant.
Coding change: c.1375A>C on transcript NM_000066.4 (MANE Select); coding-DNA position 1375, A replaced by C.
Protein change: p.Asn459His; replaces asparagine 459 with histidine.
Molecular consequence: missense variant.
Genome position (GRCh38, 1-based): chr1:56,940,872, T>G on the plus strand (A>C on the coding strand, the complement: C8B is on the minus strand). VCF-style: chr1-56940872-T-G. GRCh37 (hg19) VCF-style: chr1-57406545-T-G.
Other names: c.1219A>C, p.Asn407His (NM_001278543.2); c.1189A>C, p.Asn397His (NM_001278544.2); c.1375A>C (NM_000066.2); short protein forms N397H, N459H, N407H.
Identifiers: ClinVar variation 1490751 (VCV001490751.8), dbSNP rs750536393, ClinGen allele CA875662.

ClinVar aggregate classification (germline): Uncertain significance. Review status: criteria provided, multiple submitters, no conflicts (2 of 4 stars). 2 submissions from 2 submitters: Uncertain significance (2). Last evaluated 2023-05-17.

Conditions:
Inborn genetic diseases. Identifiers: MedGen C0950123, MeSH D030342.

Allele frequency attached by ClinVar (database versions not stated): gnomAD exomes 0.00001; ExAC 0.00002.
gnomAD v4.1: 5 of 1,613,972 alleles (0.00031%); highest among the groups gnomAD compares: Middle Eastern, 0.033%; no homozygotes.

Submissions (2):

Ambry Genetics
Classification: Uncertain significance for Inborn genetic diseases. Last evaluated: 2023-05-17. Review status: criteria provided, single submitter. Criteria: Ambry Variant Classification Scheme 2023. Collection method: clinical testing. Allele origin: germline.

Labcorp Genetics (formerly Invitae), Labcorp
Classification: Uncertain significance. Last evaluated: 2021-05-13. Review status: criteria provided, single submitter. Criteria: Invitae Variant Classification Sherloc (09022015). Collection method: clinical testing. Allele origin: germline.
Comment: Algorithms developed to predict the effect of missense changes on protein structure and function are either unavailable or do not agree on the potential impact of this missense change (SIFT: "Tolerated"; PolyPhen-2: "Probably Damaging"; Align-GVGD: "Class C0"). This sequence change replaces asparagine with histidine at codon 459 of the C8B protein (p.Asn459His). The asparagine residue is highly conserved and there is a small physicochemical difference between asparagine and histidine. This variant is present in population databases (rs750536393, ExAC 0.003%). This variant has not been reported in the literature in individuals with C8B-related conditions. In summary, the available evidence is currently insufficient to determine the role of this variant in disease. Therefore, it has been classified as a Variant of Uncertain Significance.